The following is an entry in ClinVar:

ClinVar aggregate classification (germline): Uncertain significance (0 of 4 stars; one submission).

Conditions:
PLS1-related disorder. Also called: PLS1-related condition.

gnomAD v4.1: 63 of 1,587,772 alleles (0.004%); highest among the groups gnomAD compares: Admixed American, 0.005%; no homozygotes.

Submission:

PreventionGenetics, part of Exact Sciences
Classification: Uncertain significance for PLS1-related condition. Last evaluated: 2024-08-26. Review status: no assertion criteria provided. Collection method: clinical testing. Allele origin: germline.
Comment: The PLS1 c.894G>A variant is not predicted to result in an amino acid change (p.=). This variant is predicted to alter splicing based on available splicing prediction software (SpliceAI, Jaganathan et al. 2019. PubMed ID: 30661751). However, the use of computer prediction softwares is not equivalent to functional evidence. To our knowledge, this variant has not been reported in the literature. This variant is reported in 0.012% of alleles in individuals of African descent in gnomAD . Although we suspect that this variant may be benign, at this time, the clinical significance of this variant is uncertain due to the absence of conclusive functional and genetic evidence.

NM_001145319.2(PLS1):c.894G>A (p.Ser298=)

Gene: PLS1 (plastin 1; plus strand). Cytogenetic location: 3q23.
Variant type: single nucleotide variant.
Coding change: c.894G>A on transcript NM_001145319.2 (MANE Select); coding-DNA position 894, G replaced by A.
Protein change: p.Ser298=; no amino-acid change (serine 298 retained).
Molecular consequence: synonymous variant.
Genome position (GRCh38, 1-based): chr3:142,686,289, G>A. VCF-style: chr3-142686289-G-A. GRCh37 (hg19) VCF-style: chr3-142405131-G-A.
Other names: c.894G>A, p.Ser298= (NM_001172312.2, NM_002670.3).
Identifiers: ClinVar variation 3358343 (VCV003358343.1).